The following is an entry in ClinVar:

NM_020831.6(MRTFA):c.2237G>T (p.Gly746Val)

Gene: MRTFA (myocardin related transcription factor A; minus strand). Cytogenetic location: 22q13.1.
Variant type: single nucleotide variant.
Coding change: c.2237G>T on transcript NM_020831.6 (MANE Select); coding-DNA position 2237, G replaced by T.
Protein change: p.Gly746Val; replaces glycine 746 with valine.
Molecular consequence: missense variant.
Genome position (GRCh38, 1-based): chr22:40,418,501, C>A on the plus strand (G>T on the coding strand, the complement: MRTFA is on the minus strand). VCF-style: chr22-40418501-C-A. GRCh37 (hg19) VCF-style: chr22-40814505-C-A.
Other names: c.1937G>T, p.Gly646Val (NM_001282660.2); c.2087G>T, p.Gly696Val (NM_001282661.3); c.2237G>T, p.Gly746Val (NM_001282662.3); c.2042G>T, p.Gly681Val (NM_001318139.2); short protein forms G646V, G746V, G681V, G696V.
Identifiers: ClinVar variation 2028221 (VCV002028221.4), dbSNP rs2052739943, ClinGen allele CA411657615.

ClinVar aggregate classification (germline): Uncertain significance (1 of 4 stars; one submission).

Allele frequency attached by ClinVar (database versions not stated): gnomAD exomes below 0.00001; TOPMed below 0.00001.
gnomAD v4.1: 3 of 1,601,278 alleles (0.00019%); highest among the groups gnomAD compares: African/African-American, 0.0027%; no homozygotes.

Submission:

Labcorp Genetics (formerly Invitae), Labcorp
Classification: Uncertain significance. Last evaluated: 2024-02-05. Review status: criteria provided, single submitter. Criteria: Invitae Variant Classification Sherloc (09022015). Collection method: clinical testing. Allele origin: germline.
Comment: This sequence change replaces glycine, which is neutral and non-polar, with valine, which is neutral and non-polar, at codon 646 of the MKL1 protein (p.Gly646Val). This variant is not present in population databases (gnomAD no frequency). This variant has not been reported in the literature in individuals affected with MKL1-related conditions. ClinVar contains an entry for this variant (Variation ID: 2028221). An algorithm developed to predict the effect of missense changes on protein structure and function (PolyPhen-2) suggests that this variant is likely to be disruptive. In summary, the available evidence is currently insufficient to determine the role of this variant in disease. Therefore, it has been classified as a Variant of Uncertain Significance.